The following is an entry in ClinVar:

NM_004725.4(BUB3):c.121C>G (p.Leu41Val)

Genes: BUB3 (BUB3 mitotic checkpoint protein; plus strand), LOC130004885 (ATAC-STARR-seq lymphoblastoid active region 4151; plus strand). Cytogenetic location: 10q26.13.
Variant type: single nucleotide variant.
Coding change: c.121C>G on transcript NM_004725.4 (MANE Select); coding-DNA position 121, C replaced by G.
Protein change: p.Leu41Val; replaces leucine 41 with valine.
Molecular consequence: missense variant.
Genome position (GRCh38, 1-based): chr10:123,155,038, C>G. VCF-style: chr10-123155038-C-G. GRCh37 (hg19) VCF-style: chr10-124914554-C-G.
Other names: c.121C>G, p.Leu41Val (NM_001007793.3); short protein forms L41V.
Identifiers: ClinVar variation 1752643 (VCV001752643.2), dbSNP rs1844331498, ClinGen allele CA378624983.

ClinVar aggregate classification (germline): Uncertain significance (1 of 4 stars; one submission).

Submission:

Ambry Genetics
Classification: Uncertain significance. Last evaluated: 2022-09-12. Review status: criteria provided, single submitter. Criteria: Ambry Variant Classification Scheme 2023. Collection method: clinical testing. Allele origin: germline.
Comment: The p.L41V variant (also known as c.121C>G), located in coding exon 1 of the BUB3 gene, results from a C to G substitution at nucleotide position 121. The leucine at codon 41 is replaced by valine, an amino acid with highly similar properties. This amino acid position is conserved. In addition, the in silico prediction for this alteration is inconclusive. Since supporting evidence is limited at this time, the clinical significance of this alteration remains unclear.